The following is an entry in ClinVar:

NM_033305.3(VPS13A):c.5935dup (p.Cys1979fs)

Gene: VPS13A (vacuolar protein sorting 13 homolog A; plus strand). Cytogenetic location: 9q21.2.
Variant type: Duplication.
Coding change: c.5935dup on transcript NM_033305.3 (MANE Select); coding-DNA position 5935, one base duplicated (T; older notation c.5935dupT).
Protein change: p.Cys1979fs; shifts the reading frame from cysteine 1979.
Molecular consequence: frameshift variant.
Genome position (GRCh38, 1-based): chr9:77,323,171, T duplicated; the last of 3 consecutive T bases (chr9:77,323,169-77,323,171); duplicating any one gives the same sequence. VCF-style (leftmost placement, unchanged base first): chr9-77323168-G-GT. GRCh37 (hg19) VCF-style: chr9-79938084-G-GT.
Other names: c.5935dupT (NM_033305.2); c.5818dup, p.Cys1940fs (NM_001018037.2); c.5935dup, p.Cys1979fs (NM_001018038.3, NM_015186.4); short protein forms C1940fs, C1979fs.
Identifiers: ClinVar variation 2789526 (VCV002789526.5), dbSNP rs752530061, ClinGen allele CA5092890.
Genomic context (GRCh38, chr9:77,323,168, plus strand): 5'-AAAGTGGGACGACGTCTGTACACTGTAAGACACAGAGAGTCTGGCGTTGAAAGATCTATT[G>GT]TTTGTCAAATTGATACAGTAGAAGGAAGTAAGAAGGTCACAATTCGCTCCCCAGTGCAGG-3'

ClinVar aggregate classification (germline): Pathogenic/Likely pathogenic. Review status: criteria provided, multiple submitters, no conflicts (2 of 4 stars). 2 submissions from 2 submitters: Pathogenic (1); Likely pathogenic (1). Last evaluated 2025-09-09.

Conditions:
VPS13A-related neurodegenerative disease. Also called: Chorea-acanthocytosis; VPS13A Disease; Choreaacanthocytosis; LEVINE-CRITCHLEY SYNDROME; Choreoacanthocytosis; ACANTHOCYTOSIS WITH NEUROLOGIC DISORDER. Identifiers: Orphanet 2388, MedGen C0393576, MONDO:0008695, OMIM 200150.

Submissions (2):

Natera, Inc.
Classification: Likely pathogenic for Choreaacanthocytosis. Last evaluated: 2025-09-09. Review status: criteria provided, single submitter. Criteria: Natera Variant Classification Schema (03/2026). Collection method: clinical testing. Allele origin: germline.
Comment: The c.5935dupT variant in VPS13A is a frameshift variant predicted to shift the reading frame beginning at codon 1979 and leads to a stop codon 4 codons downstream. This variant is expected to result in nonsense mediated decay, truncation, or a dysfunctional protein product. This variant is rare in the general population with a frequency below the threshold expected for the associated phenotype(s). Given the available evidence, this variant is classified as Likely Pathogenic.

Labcorp Genetics (formerly Invitae), Labcorp
Classification: Pathogenic. Last evaluated: 2023-02-17. Review status: criteria provided, single submitter. Criteria: Invitae Variant Classification Sherloc (09022015). Collection method: clinical testing. Allele origin: germline.
Comment: This sequence change creates a premature translational stop signal (p.Cys1979Leufs*4) in the VPS13A gene. It is expected to result in an absent or disrupted protein product. Loss-of-function variants in VPS13A are known to be pathogenic (PMID: 12404112, 21598378). This variant is present in population databases (rs752530061, gnomAD 0.006%). This variant has not been reported in the literature in individuals affected with VPS13A-related conditions. For these reasons, this variant has been classified as Pathogenic.

Literature cited by the submitters: PubMed 12404112 (cited by Labcorp Genetics (formerly Invitae), Labcorp); PubMed 21598378 (cited by Labcorp Genetics (formerly Invitae), Labcorp).